The following is an entry in ClinVar:

NM_004260.4(RECQL4):c.3218C>G (p.Thr1073Ser)

Gene: RECQL4 (RecQ like helicase 4; minus strand). Cytogenetic location: 8q24.3.
Variant type: single nucleotide variant.
Coding change: c.3218C>G on transcript NM_004260.4 (MANE Select); coding-DNA position 3218, C replaced by G.
Protein change: p.Thr1073Ser; replaces threonine 1073 with serine.
Molecular consequence: missense variant.
Genome position (GRCh38, 1-based): chr8:144,512,162, G>C on the plus strand (C>G on the coding strand, the complement: RECQL4 is on the minus strand). VCF-style: chr8-144512162-G-C. GRCh37 (hg19) VCF-style: chr8-145737545-G-C.
Other names: c.2147C>G, p.Thr716Ser (NM_001413028.1, NM_001413034.1, NM_001413035.1 and 4 more transcripts); c.2867C>G, p.Thr956Ser (NM_001413029.1); c.2081C>G, p.Thr694Ser (NM_001413030.1, NM_001413032.1, NM_001413027.1); c.1949C>G, p.Thr650Ser (NM_001413031.1, NM_001413038.1); c.3086C>G, p.Thr1029Ser (NM_001413033.1); c.3218C>G, p.Thr1073Ser (NM_001413036.1); c.2015C>G, p.Thr672Ser (NM_001413037.1); c.2924C>G, p.Thr975Ser (NM_001413017.1); and 9 more; short protein forms T1073S, T741S, T1063S, T975S, T1007S, T1029S, T1030S, T1041S.
Identifiers: ClinVar variation 2195184 (VCV002195184.4), dbSNP rs775225569, ClinGen allele CA372669753.
Genomic context (GRCh38, chr8:144,512,162, plus strand): 5'-GGGAGGGTGGATGGTCCCAGGCCCCGCCCGCCTCCTCCCAACCTGTGAAAGGCCTGGAAG[G>C]TTCTGCGCAGACGGGCCAGGGCCTGGCGCTCCCGGGCCTGCACACGGCCATAGAGGAAGT-3'
Protein context (NP_004251.4, residues 1063-1083): ERQALARLRR[Thr1073Ser]FQAFHSVAFP

ClinVar aggregate classification (germline): Uncertain significance (1 of 4 stars; one submission).

Conditions:
Baller-Gerold syndrome (BGS). Also called: CRANIOSYNOSTOSIS WITH RADIAL DEFECTS. Identifiers: Orphanet 1225, MedGen C0265308, MONDO:0009039, OMIM 218600.

Submission:

Labcorp Genetics (formerly Invitae), Labcorp
Classification: Uncertain significance for Baller-Gerold syndrome. Last evaluated: 2022-10-25. Review status: criteria provided, single submitter. Criteria: Invitae Variant Classification Sherloc (09022015). Collection method: clinical testing. Allele origin: germline.
Comment: In summary, the available evidence is currently insufficient to determine the role of this variant in disease. Therefore, it has been classified as a Variant of Uncertain Significance. Advanced modeling of protein sequence and biophysical properties (such as structural, functional, and spatial information, amino acid conservation, physicochemical variation, residue mobility, and thermodynamic stability) performed at Invitae indicates that this missense variant is not expected to disrupt RECQL4 protein function. This variant has not been reported in the literature in individuals affected with RECQL4-related conditions. This variant is not present in population databases (gnomAD no frequency). This sequence change replaces threonine, which is neutral and polar, with serine, which is neutral and polar, at codon 1073 of the RECQL4 protein (p.Thr1073Ser).